The following is an entry in ClinVar:

ClinVar aggregate classification (germline): Uncertain significance (1 of 4 stars; one submission).

Conditions:
Kabuki syndrome. Also called: Kabuki make-up syndrome; NIIKAWA-KUROKI SYNDROME. Identifiers: Orphanet 2322, MedGen C0796004, MONDO:0016512.

gnomAD v4.1: 6 of 1,569,476 alleles (0.00038%); highest among the groups gnomAD compares: Non-Finnish European, 0.00052%; no homozygotes.

Submission:

Labcorp Genetics (formerly Invitae), Labcorp
Classification: Uncertain significance for Kabuki syndrome. Last evaluated: 2024-08-28. Review status: criteria provided, single submitter. Criteria: Invitae Variant Classification Sherloc (09022015). Collection method: clinical testing. Allele origin: germline.
Comment: This sequence change replaces alanine, which is neutral and non-polar, with valine, which is neutral and non-polar, at codon 899 of the KMT2D protein (p.Ala899Val). This variant is not present in population databases (gnomAD no frequency). This variant has not been reported in the literature in individuals affected with KMT2D-related conditions. Invitae Evidence Modeling of protein sequence and biophysical properties (such as structural, functional, and spatial information, amino acid conservation, physicochemical variation, residue mobility, and thermodynamic stability) indicates that this missense variant is not expected to disrupt KMT2D protein function with a negative predictive value of 95%. In summary, the available evidence is currently insufficient to determine the role of this variant in disease. Therefore, it has been classified as a Variant of Uncertain Significance.

NM_003482.4(KMT2D):c.2696C>T (p.Ala899Val)

Gene: KMT2D (lysine methyltransferase 2D; minus strand). Cytogenetic location: 12q13.12.
Variant type: single nucleotide variant.
Coding change: c.2696C>T on transcript NM_003482.4 (MANE Select); coding-DNA position 2696, C replaced by T.
Protein change: p.Ala899Val; replaces alanine 899 with valine.
Molecular consequence: missense variant.
Genome position (GRCh38, 1-based): chr12:49,050,987, G>A on the plus strand (C>T on the coding strand, the complement: KMT2D is on the minus strand). VCF-style: chr12-49050987-G-A. GRCh37 (hg19) VCF-style: chr12-49444770-G-A.
Other names: short protein forms A899V.
Identifiers: ClinVar variation 3623319 (VCV003623319.2).
Genomic context (GRCh38, chr12:49,050,987, plus strand): 5'-GGGGACAACGGCAGCTCCTCGGGCAGAGGGGACAGAGGTGGTTCCCCAGGCTCAGACAGG[G>A]CTGGCTCTCCAAGCAAGGGAGATAAGGATGGTTCCCCAGGGGGAGGGAACAAGGGCAGCT-3'
Protein context (NP_003473.3, residues 889-909): PSLSPLLGEP[Ala899Val]LSEPGEPPLS